The following is an entry in ClinVar:

ClinVar aggregate classification (germline): Pathogenic (1 of 4 stars; one submission).

Conditions:
Mucopolysaccharidosis, MPS-II (MPS2). Also called: Hunter Syndrome; IDURONATE 2-SULFATASE DEFICIENCY; Mucopolysaccharidosis Type II; Mucopolysaccharidosis type 2; Attenuated MPS (subtype; formerly known as mild MPS II); Severe MPS II. Identifiers: Orphanet 580, Orphanet 79388, MedGen C0026705, MONDO:0010674, OMIM 309900.

Submission:

Laboratory of Diagnosis and Therapy of Lysosomal Disorders, University of Padova
Classification: Pathogenic for Mucopolysaccharidosis, MPS-II. Last evaluated: 2024-06-07. Review status: criteria provided, single submitter. Criteria: ACMG Guidelines, 2015. Collection method: literature only. Allele origin: germline. Affected: yes. Observed: 1 variant allele.
Comment: Null variant (PVS1_VeryStrong), Absent from controls (or at low frequency) in gnomAD database (PM2_Moderate), Patient’s phenotype or family history highly specific for the disease (PP4_Strong)

Classification method: ACMG Guidelines [PMID:25741868] with modifications

Literature cited by the submitters: PubMed 7887413.

NM_000202.8(IDS):c.315dup (p.Asn106fs)

Gene: IDS (iduronate 2-sulfatase; minus strand). Cytogenetic location: Xq28.
Variant type: Duplication.
Coding change: c.315dup on transcript NM_000202.8 (MANE Select); coding-DNA position 315, one base duplicated (C; older notation c.315dupC).
Protein change: p.Asn106fs; shifts the reading frame from asparagine 106.
Molecular consequence: frameshift variant. On other transcripts: non-coding transcript variant (1).
Genome position (GRCh38, 1-based): chrX:149,503,415, G duplicated on the plus strand (C on the coding strand, the reverse complement: IDS is on the minus strand). VCF-style (leftmost placement, unchanged base first): chrX-149503414-T-TG. GRCh37 (hg19) VCF-style: chrX-148584944-T-TG.
Other names: c.45dup, p.Asn16fs (NM_001166550.4); c.315dup, p.Asn106fs (NM_006123.5); short protein forms N106fs, N16fs.
Identifiers: ClinVar variation 3255664 (VCV003255664.2).